The following is an entry in ClinVar:

ClinVar aggregate classification (germline): Likely pathogenic (1 of 4 stars; one submission).

Conditions:
Autosomal recessive limb-girdle muscular dystrophy type 2D (LGMDR3). Also called: ADHALINOPATHY, PRIMARY; DUCHENNE-LIKE AUTOSOMAL RECESSIVE MUSCULAR DYSTROPHY, TYPE 2; MUSCULAR DYSTROPHY, LIMB-GIRDLE, AUTOSOMAL RECESSIVE 3. Identifiers: Orphanet 62, MedGen C2936332, MONDO:0011968, OMIM 608099. Disease mechanism: Affects gamma-sarcoglycan and also disrupts the integrity of the entire sarcoglycan complex..

Submission:

Labcorp Genetics (formerly Invitae), Labcorp
Classification: Likely pathogenic for Autosomal recessive limb-girdle muscular dystrophy type 2D. Last evaluated: 2024-04-25. Review status: criteria provided, single submitter. Criteria: Invitae Variant Classification Sherloc (09022015). Collection method: clinical testing. Allele origin: germline.
Comment: This sequence change replaces serine, which is neutral and polar, with proline, which is neutral and non-polar, at codon 215 of the SGCA protein (p.Ser215Pro). This variant is not present in population databases (gnomAD no frequency). This missense change has been observed in individual(s) with clinical features of limb-girdle muscular dystrophy (Invitae). ClinVar contains an entry for this variant (Variation ID: 1494468). Advanced modeling of protein sequence and biophysical properties (such as structural, functional, and spatial information, amino acid conservation, physicochemical variation, residue mobility, and thermodynamic stability) performed at Invitae indicates that this missense variant is expected to disrupt SGCA protein function with a positive predictive value of 95%. This variant disrupts the p.Ser215 amino acid residue in SGCA. Other variant(s) that disrupt this residue have been determined to be pathogenic (PMID: 18285821). This suggests that this residue is clinically significant, and that variants that disrupt this residue are likely to be disease-causing. In summary, the currently available evidence indicates that the variant is pathogenic, but additional data are needed to prove that conclusively. Therefore, this variant has been classified as Likely Pathogenic.

Literature cited by the submitters: PubMed 18285821.

NM_000023.4(SGCA):c.643T>C (p.Ser215Pro)

Gene: SGCA (sarcoglycan alpha; plus strand). Cytogenetic location: 17q21.33.
Variant type: single nucleotide variant.
Coding change: c.643T>C on transcript NM_000023.4 (MANE Select); coding-DNA position 643, T replaced by C.
Protein change: p.Ser215Pro; replaces serine 215 with proline.
Molecular consequence: missense variant. On other transcripts: non-coding transcript variant (1), intron variant (1).
Genome position (GRCh38, 1-based): chr17:50,169,150, T>C. VCF-style: chr17-50169150-T-C. GRCh37 (hg19) VCF-style: chr17-48246511-T-C.
Other names: c.584+578T>C (NM_001135697.3); short protein forms S215P.
Identifiers: ClinVar variation 1494468 (VCV001494468.6), dbSNP rs76542495, ClinGen allele CA291536747.
Genomic context (GRCh38, chr17:50,169,150, plus strand): 5'-AGGGTATACATTAAGGTGGGTTCTGCCTCACCTTTTTCTACTTGCCTGAAGATGGTGGCA[T>C]CCCCCGATAGCCACGCCCGCTGTGCCCAGGGCCAGCCTCCACTTCTGTCTTGCTACGACA-3'
Protein context (NP_000014.1, residues 205-225): PFSTCLKMVA[Ser215Pro]PDSHARCAQG